The following is an entry in ClinVar:

ClinVar aggregate classification (germline): Uncertain significance (1 of 4 stars; one submission).

Allele frequency attached by ClinVar (database versions not stated): gnomAD exomes below 0.00001; ExAC 0.00001; gnomAD 0.00001; TOPMed 0.00001.
gnomAD v4.1: 4 of 1,611,580 alleles (0.00025%); highest among the groups gnomAD compares: African/African-American, 0.0027%; no homozygotes.

Submission:

Labcorp Genetics (formerly Invitae), Labcorp
Classification: Uncertain significance. Last evaluated: 2022-10-17. Review status: criteria provided, single submitter. Criteria: Invitae Variant Classification Sherloc (09022015). Collection method: clinical testing. Allele origin: germline.
Comment: In summary, the available evidence is currently insufficient to determine the role of this variant in disease. Therefore, it has been classified as a Variant of Uncertain Significance. Algorithms developed to predict the effect of missense changes on protein structure and function are either unavailable or do not agree on the potential impact of this missense change (SIFT: "Tolerated"; PolyPhen-2: "Probably Damaging"; Align-GVGD: "Class C0"). This variant has not been reported in the literature in individuals affected with PTPN23-related conditions. The frequency data for this variant in the population databases is considered unreliable, as metrics indicate poor data quality at this position in the gnomAD database. This sequence change replaces glycine, which is neutral and non-polar, with aspartic acid, which is acidic and polar, at codon 1308 of the PTPN23 protein (p.Gly1308Asp).

NM_015466.4(PTPN23):c.3923G>A (p.Gly1308Asp)

Gene: PTPN23 (protein tyrosine phosphatase non-receptor type 23; plus strand). Cytogenetic location: 3p21.31.
Variant type: single nucleotide variant.
Coding change: c.3923G>A on transcript NM_015466.4 (MANE Select); coding-DNA position 3923, G replaced by A.
Protein change: p.Gly1308Asp; replaces glycine 1308 with aspartic acid.
Molecular consequence: missense variant.
Genome position (GRCh38, 1-based): chr3:47,411,817, G>A. VCF-style: chr3-47411817-G-A. GRCh37 (hg19) VCF-style: chr3-47453307-G-A.
Other names: c.3545G>A, p.Gly1182Asp (NM_001304482.2); short protein forms G1308D, G1182D.
Identifiers: ClinVar variation 1937957 (VCV001937957.5), dbSNP rs200903606, ClinGen allele CA2366404.
Genomic context (GRCh38, chr3:47,411,817, plus strand): 5'-TCTGTCTTGGCTTATCTGTCCCTCAGCAAAAAGTGGCACGCTACTTCCCCACCGAGAGGG[G>A]CCAGCCCATGGTGCACGGTGCCCTGAGCCTGGCATTGAGCAGCGTCCGCAGCACCGAAAC-3'
Protein context (NP_056281.1, residues 1298-1318): KVARYFPTER[Gly1308Asp]QPMVHGALSL